The following is an entry in ClinVar:

NM_000399.5(EGR2):c.637C>T (p.Pro213Ser)

Gene: EGR2 (early growth response 2; minus strand). Cytogenetic location: 10q21.3.
Variant type: single nucleotide variant.
Coding change: c.637C>T on transcript NM_000399.5 (MANE Select); coding-DNA position 637, C replaced by T.
Protein change: p.Pro213Ser; replaces proline 213 with serine.
Molecular consequence: missense variant.
Genome position (GRCh38, 1-based): chr10:62,814,001, G>A on the plus strand (C>T on the coding strand, the complement: EGR2 is on the minus strand). VCF-style: chr10-62814001-G-A. GRCh37 (hg19) VCF-style: chr10-64573761-G-A.
Other names: c.637C>T, p.Pro213Ser (NM_001136177.3, NM_001136178.2); c.487C>T, p.Pro163Ser (NM_001136179.3, NM_001321037.2); c.676C>T, p.Pro226Ser (NM_001410931.1); short protein forms P163S, P213S, P226S.
Identifiers: ClinVar variation 4689217 (VCV004689217.1).

ClinVar aggregate classification (germline): Uncertain significance (1 of 4 stars; one submission).

Submission:

Women's Health and Genetics/Laboratory Corporation of America, LabCorp
Classification: Uncertain significance. Last evaluated: 2026-01-20. Review status: criteria provided, single submitter. Criteria: LabCorp Variant Classification Summary - May 2015. Collection method: clinical testing. Allele origin: germline.
Comment: Variant summary: EGR2 c.637C>T (p.Pro213Ser) results in a non-conservative amino acid change in the encoded protein sequence. Algorithms developed to predict the effect of missense changes on protein structure and function are either unavailable or do not agree on the potential impact of this missense change. The variant was absent in 251472 control chromosomes. The available data on variant occurrences in the general population are insufficient to allow any conclusion about variant significance. To our knowledge, no occurrence of c.637C>T in individuals affected with EGR2-related conditions and no experimental evidence demonstrating its impact on protein function have been reported. No submitters have cited clinical-significance assessments for this variant to ClinVar. Based on the evidence outlined above, the variant was classified as uncertain significance.